The following is an entry in ClinVar:

NM_006393.3(NEBL):c.1563del (p.Lys521fs)

Gene: NEBL (nebulette; minus strand). Cytogenetic location: 10p12.31.
Variant type: Deletion.
Coding change: c.1563del on transcript NM_006393.3 (MANE Select); coding-DNA position 1563, one base deleted (A; older notation c.1563delA).
Protein change: p.Lys521fs; shifts the reading frame from lysine 521.
Molecular consequence: frameshift variant. On other transcripts: intron variant (9).
Genome position (GRCh38, 1-based): chr10:20,831,304, T deleted on the plus strand (A on the coding strand, the reverse complement: NEBL is on the minus strand); the first of 3 consecutive T bases (chr10:20,831,304-20,831,306); deleting any one gives the same sequence. VCF-style (leftmost placement, unchanged base first): chr10-20831303-GT-G. GRCh37 (hg19) VCF-style: chr10-21120232-GT-G.
Other names: c.250-18364del (NM_001377326.1, NM_001377327.1, NM_001377328.1); c.358-18364del (NM_213569.2, NM_001173484.2, NM_001377322.1); c.301-18364del (NM_001377324.1); c.292-18364del (NM_001377325.1); c.310-18364del (NM_001377323.1); short protein forms K521fs.
Identifiers: ClinVar variation 1014930 (VCV001014930.7), dbSNP rs1840390408, ClinGen allele CA1895356519.

ClinVar aggregate classification (germline): Uncertain significance (1 of 4 stars; one submission).

Conditions:
Primary dilated cardiomyopathy (DCM). Also called: Dilated Cardiomyopathy. Identifiers: Orphanet 217604, MedGen C0007193, MeSH D002311, MONDO:0005021, HP:0001644. Inheritance: Various modes of inheritance.

Submission:

Labcorp Genetics (formerly Invitae), Labcorp
Classification: Uncertain significance for Primary dilated cardiomyopathy. Last evaluated: 2025-12-08. Review status: criteria provided, single submitter. Criteria: Invitae Variant Classification Sherloc (09022015). Collection method: clinical testing. Allele origin: germline.
Comment: This sequence change creates a premature translational stop signal (p.Lys521Asnfs*7) in the NEBL gene. It is expected to result in an absent or disrupted protein product. However, the current clinical and genetic evidence is not sufficient to establish whether loss-of-function variants in NEBL cause disease. This variant is not present in population databases (gnomAD no frequency). This variant has not been reported in the literature in individuals affected with NEBL-related conditions. ClinVar contains an entry for this variant (Variation ID: 1014930). In summary, the available evidence is currently insufficient to determine the role of this variant in disease. Therefore, it has been classified as a Variant of Uncertain Significance.